The following is an entry in ClinVar:

NM_001374259.2(IL12RB2):c.1155dup (p.Val386fs)

Gene: IL12RB2 (interleukin 12 receptor subunit beta 2; plus strand). Cytogenetic location: 1p31.3.
Variant type: Duplication.
Coding change: c.1155dup on transcript NM_001374259.2 (MANE Select); coding-DNA position 1155, one base duplicated (A; older notation c.1155dupA).
Protein change: p.Val386fs; shifts the reading frame from valine 386.
Molecular consequence: frameshift variant. On other transcripts: non-coding transcript variant (2).
Genome position (GRCh38, 1-based): chr1:67,350,986, A duplicated. VCF-style (leftmost placement, unchanged base first): chr1-67350985-C-CA. GRCh37 (hg19) VCF-style: chr1-67816668-C-CA.
Other names: c.1155dup, p.Val386fs (NM_001258214.1, NM_001258215.1, NM_001258216.1 and 2 more transcripts); short protein forms V386fs.
Identifiers: ClinVar variation 2046789 (VCV002046789.4), dbSNP rs777989129, ClinGen allele CA900416.

ClinVar aggregate classification (germline): Uncertain significance (1 of 4 stars; one submission).

Allele frequency attached by ClinVar (database versions not stated): ExAC 0.00001; gnomAD exomes 0.00003; TOPMed 0.00003; gnomAD 0.00004.

Submission:

Labcorp Genetics (formerly Invitae), Labcorp
Classification: Uncertain significance. Last evaluated: 2025-10-23. Review status: criteria provided, single submitter. Criteria: Invitae Variant Classification Sherloc (09022015). Collection method: clinical testing. Allele origin: germline.
Comment: This sequence change creates a premature translational stop signal (p.Val386Serfs*4) in the IL12RB2 gene. It is expected to result in an absent or disrupted protein product. However, the current clinical and genetic evidence is not sufficient to establish whether loss-of-function variants in IL12RB2 cause disease. This variant is present in population databases (rs777989129, gnomAD 0.004%). This variant has not been reported in the literature in individuals affected with IL12RB2-related conditions. ClinVar contains an entry for this variant (Variation ID: 2046789). In summary, the available evidence is currently insufficient to determine the role of this variant in disease. Therefore, it has been classified as a Variant of Uncertain Significance.